The following is an entry in ClinVar:

NM_144573.4(NEXN):c.1973A>G (p.Asn658Ser)

Gene: NEXN (nexilin F-actin binding protein; plus strand). Cytogenetic location: 1p31.1.
Variant type: single nucleotide variant.
Coding change: c.1973A>G on transcript NM_144573.4 (MANE Select); coding-DNA position 1973, A replaced by G.
Protein change: p.Asn658Ser; replaces asparagine 658 with serine.
Molecular consequence: missense variant.
Genome position (GRCh38, 1-based): chr1:77,942,774, A>G. VCF-style: chr1-77942774-A-G. GRCh37 (hg19) VCF-style: chr1-78408459-A-G.
Other names: c.1781A>G, p.Asn594Ser (NM_001172309.2); short protein forms N594S, N658S.
Identifiers: ClinVar variation 3229174 (VCV003229174.1), dbSNP rs2523312789, ClinGen allele CA340883313.

ClinVar aggregate classification (germline): Uncertain significance (1 of 4 stars; one submission).

Conditions:
Cardiovascular phenotype. Identifiers: MedGen CN230736.

Submission:

Ambry Genetics
Classification: Uncertain significance for Cardiovascular phenotype. Last evaluated: 2023-11-27. Review status: criteria provided, single submitter. Criteria: Ambry Variant Classification Scheme 2023. Collection method: clinical testing. Allele origin: germline.
Comment: The p.N658S variant (also known as c.1973A>G), located in coding exon 12 of the NEXN gene, results from an A to G substitution at nucleotide position 1973. The asparagine at codon 658 is replaced by serine, an amino acid with highly similar properties. This amino acid position is conserved. In addition, the in silico prediction for this alteration is inconclusive. Since supporting evidence is limited at this time, the clinical significance of this alteration remains unclear.